The following is an entry in ClinVar:

ClinVar aggregate classification (germline): Uncertain significance (1 of 4 stars; one submission).

Submission:

Labcorp Genetics (formerly Invitae), Labcorp
Classification: Uncertain significance. Last evaluated: 2024-11-18. Review status: criteria provided, single submitter. Criteria: Invitae Variant Classification Sherloc (09022015). Collection method: clinical testing. Allele origin: germline.
Comment: This sequence change replaces serine, which is neutral and polar, with tyrosine, which is neutral and polar, at codon 527 of the SLC1A4 protein (p.Ser527Tyr). This variant is not present in population databases (gnomAD no frequency). This variant has not been reported in the literature in individuals affected with SLC1A4-related conditions. ClinVar contains an entry for this variant (Variation ID: 1346887). An algorithm developed to predict the effect of missense changes on protein structure and function (PolyPhen-2) suggests that this variant is likely to be disruptive. In summary, the available evidence is currently insufficient to determine the role of this variant in disease. Therefore, it has been classified as a Variant of Uncertain Significance.

NM_003038.5(SLC1A4):c.1580C>A (p.Ser527Tyr)

Gene: SLC1A4 (solute carrier family 1 member 4; plus strand). Cytogenetic location: 2p14.
Variant type: single nucleotide variant.
Coding change: c.1580C>A on transcript NM_003038.5 (MANE Select); coding-DNA position 1580, C replaced by A.
Protein change: p.Ser527Tyr; replaces serine 527 with tyrosine.
Molecular consequence: missense variant.
Genome position (GRCh38, 1-based): chr2:65,021,127, C>A. VCF-style: chr2-65021127-C-A. GRCh37 (hg19) VCF-style: chr2-65248261-C-A.
Other names: c.686C>A, p.Ser229Tyr (NM_001193493.2); c.920C>A, p.Ser307Tyr (NM_001348406.2, NM_001348407.2); short protein forms S307Y, S527Y, S229Y.
Identifiers: ClinVar variation 1346887 (VCV001346887.8), dbSNP rs1234569489, ClinGen allele CA347012851.